The following is an entry in ClinVar:

ClinVar aggregate classification (germline): Conflicting classifications of pathogenicity. Review status: criteria provided, conflicting classifications (1 of 4 stars). 6 submissions from 6 submitters: Uncertain significance (2); Benign (1); Likely benign (2). 1 of the submissions does not count toward it. Last evaluated 2025-08-11.

Conditions:
SPTB-related disorder. Also called: SPTB-related condition; SPTB-Related Disorders.

Allele frequency attached by ClinVar (database versions not stated): ESP Exome Variant Server 0.00123; TOPMed 0.00124; gnomAD 0.00140; 1000 Genomes Project 30x 0.00156; 1000 Genomes Project 0.00200.
gnomAD v4.1: 445 of 1,612,860 alleles (0.028%); highest among the groups gnomAD compares: African/African-American, 0.48%; 1 homozygote.

Submissions (6):

Mayo Clinic Laboratories, Mayo Clinic
Classification: Uncertain significance. Last evaluated: 2025-08-11. Review status: criteria provided, single submitter. Criteria: ACMG Guidelines, 2015. Collection method: clinical testing. Allele origin: germline. Observed: 9 variant alleles.
Comment: BP4_moderate

Labcorp Genetics (formerly Invitae), Labcorp
Classification: Benign. Last evaluated: 2025-03-25. Review status: criteria provided, single submitter. Criteria: Invitae Variant Classification Sherloc (09022015). Collection method: clinical testing. Allele origin: germline.

GeneDx
Classification: Uncertain significance. Last evaluated: 2024-01-27. Review status: criteria provided, single submitter. Criteria: GeneDx Variant Classification Process June 2021. Collection method: clinical testing. Allele origin: germline. Affected: yes.
Comment: In silico analysis supports that this missense variant does not alter protein structure/function; Has not been previously published as pathogenic or benign to our knowledge

ARUP Laboratories, Molecular Genetics and Genomics, ARUP Laboratories
Classification: Likely benign. Last evaluated: 2023-05-05. Review status: criteria provided, single submitter. Criteria: ARUP Molecular Germline Variant Investigation Process 2024. Collection method: clinical testing. Allele origin: germline.

Eurofins Ntd Llc (ga)
Classification: Likely benign. Last evaluated: 2018-05-16. Review status: criteria provided, single submitter. Criteria: EGL ClinVar v180209 classification definitions. Collection method: clinical testing. Allele origin: germline. Observed: 1 variant allele, 1 heterozygote.

PreventionGenetics, part of Exact Sciences
Classification: Likely benign for SPTB-related condition. Last evaluated: 2024-07-23. Review status: no assertion criteria provided. Collection method: clinical testing. Allele origin: germline. Not counted in ClinVar's aggregate classification.
Comment: This variant is classified as likely benign based on ACMG/AMP sequence variant interpretation guidelines (Richards et al. 2015 PMID: 25741868, with internal and published modifications).

NM_001355436.2(SPTB):c.2881G>A (p.Val961Ile)

Gene: SPTB (spectrin beta, erythrocytic; minus strand). Cytogenetic location: 14q23.3.
Variant type: single nucleotide variant.
Coding change: c.2881G>A on transcript NM_001355436.2 (MANE Select); coding-DNA position 2881, G replaced by A.
Protein change: p.Val961Ile; replaces valine 961 with isoleucine.
Molecular consequence: missense variant.
Genome position (GRCh38, 1-based): chr14:64,787,084, C>T on the plus strand (G>A on the coding strand, the complement: SPTB is on the minus strand). VCF-style: chr14-64787084-C-T. GRCh37 (hg19) VCF-style: chr14-65253802-C-T.
Other names: NM_000347.5:c.2881G>A; c.2881G>A (NM_001024858.2); c.2881G>A, p.Val961Ile (NM_001024858.4, NM_001355437.2); short protein forms V961I.
Identifiers: ClinVar variation 597284 (VCV000597284.27), dbSNP rs149316006, ClinGen allele CA7230744.